The following is an entry in ClinVar:

ClinVar aggregate classification (germline): Uncertain significance (1 of 4 stars; one submission).

Conditions:
Dyskeratosis congenita. Identifiers: Orphanet 1775, MedGen C0265965, MONDO:0015780.

Allele frequency attached by ClinVar (database versions not stated): gnomAD exomes below 0.00001.
gnomAD v4.1: 1 of 1,612,570 alleles (0.000062%); highest among the groups gnomAD compares: South Asian, 0.0011%; no homozygotes.

Submission:

Ambry Genetics
Classification: Uncertain significance for Dyskeratosis congenita. Last evaluated: 2024-03-08. Review status: criteria provided, single submitter. Criteria: Ambry Variant Classification Scheme 2023. Collection method: clinical testing. Allele origin: germline.
Comment: The p.C828S variant (also known as c.2482T>A), located in coding exon 9 of the TERT gene, results from a T to A substitution at nucleotide position 2482. The cysteine at codon 828 is replaced by serine, an amino acid with dissimilar properties. This amino acid position is conserved. In addition, the in silico prediction for this alteration is inconclusive. Based on the available evidence, the clinical significance of this alteration remains unclear.

NM_198253.3(TERT):c.2482T>A (p.Cys828Ser)

Gene: TERT (telomerase reverse transcriptase; minus strand). Cytogenetic location: 5p15.33.
Variant type: single nucleotide variant.
Coding change: c.2482T>A on transcript NM_198253.3 (MANE Select); coding-DNA position 2482, T replaced by A.
Protein change: p.Cys828Ser; replaces cysteine 828 with serine.
Molecular consequence: missense variant. On other transcripts: non-coding transcript variant (2).
Genome position (GRCh38, 1-based): chr5:1,268,620, A>T on the plus strand (T>A on the coding strand, the complement: TERT is on the minus strand). VCF-style: chr5-1268620-A-T. GRCh37 (hg19) VCF-style: chr5-1268735-A-T.
Other names: c.2482T>A, p.Cys828Ser (NM_001193376.3, NM_003219.1); short protein forms C828S.
Identifiers: ClinVar variation 3238563 (VCV003238563.1), dbSNP rs1420523100.
Genomic context (GRCh38, chr5:1,268,620, plus strand): 5'-CGCCGTAGCACAGGCTGCAGAGCAGCGTGGAGAGGATGGAGCCCTGCGGGATCCCCTGGC[A>T]CTGGACGTAGGACCTGGGGCGGGAAGACACAGGTGAGAGACGGGCAGGGCATGTGCTGGA-3'
Protein context (NP_937983.2, residues 818-838): VRIRGKSYVQ[Cys828Ser]QGIPQGSILS